The following is an entry in ClinVar:

NM_002430.3(MN1):c.325C>A (p.Gln109Lys)

Gene: MN1 (MN1 proto-oncogene, transcriptional regulator; minus strand). Cytogenetic location: 22q12.1.
Variant type: single nucleotide variant.
Coding change: c.325C>A on transcript NM_002430.3 (MANE Select); coding-DNA position 325, C replaced by A.
Protein change: p.Gln109Lys; replaces glutamine 109 with lysine.
Molecular consequence: missense variant.
Genome position (GRCh38, 1-based): chr22:27,800,219, G>T on the plus strand (C>A on the coding strand, the complement: MN1 is on the minus strand). VCF-style: chr22-27800219-G-T. GRCh37 (hg19) VCF-style: chr22-28196207-G-T.
Other names: short protein forms Q109K.
Identifiers: ClinVar variation 5036954 (VCV005036954.1).
Genomic context (GRCh38, chr22:27,800,219, plus strand): 5'-GCAGGCACGAGGCCCCGGGGTCCGGGCCACCGAAGTTGCCCCCAAAGTGGGGGTGATGCT[G>T]GTGGGGATGATGACTTCCCGGGTGGCCGTGGTGAGGCTGCTGGCCGCCAAAGAAGCCGTG-3'
Protein context (NP_002421.3, residues 99-119): HGHPGSHHPH[Gln109Lys]HHPHFGGNFG

ClinVar aggregate classification (germline): Uncertain significance (1 of 4 stars; one submission).

gnomAD v4.1: 1 of 1,580,576 alleles (0.000063%); highest among the groups gnomAD compares: Non-Finnish European, 0.000086%; no homozygotes.

Submission:

GeneDx
Classification: Uncertain significance. Last evaluated: 2026-04-12. Review status: criteria provided, single submitter. Criteria: GeneDx Variant Classification Process June 2021. Collection method: clinical testing. Allele origin: germline.
Comment: Not observed at significant frequency in large population cohorts (gnomAD); In silico analysis supports that this missense variant has a deleterious effect on protein structure/function; Has not been previously published as pathogenic or benign to our knowledge